The following is an entry in ClinVar:

NM_152564.5(VPS13B):c.7159A>C (p.Asn2387His)

Gene: VPS13B (vacuolar protein sorting 13 homolog B; plus strand). Cytogenetic location: 8q22.2.
Variant type: single nucleotide variant.
Coding change: c.7159A>C on transcript NM_152564.5 (MANE Select); coding-DNA position 7159, A replaced by C.
Protein change: p.Asn2387His; replaces asparagine 2387 with histidine.
Molecular consequence: missense variant.
Genome position (GRCh38, 1-based): chr8:99,766,882, A>C. VCF-style: chr8-99766882-A-C. GRCh37 (hg19) VCF-style: chr8-100779110-A-C.
Other names: c.7234A>C, p.Asn2412His (NM_017890.5); short protein forms N2387H, N2412H.
Identifiers: ClinVar variation 967998 (VCV000967998.9), dbSNP rs915120404, ClinGen allele CA183039776.

ClinVar aggregate classification (germline): Uncertain significance (1 of 4 stars; one submission).

Conditions:
Cohen syndrome (COH1). Also called: Cutis verticis gyrata, retinitis pigmentosa, and sensorineural deafness; PEPPER SYNDROME. Identifiers: Orphanet 193, MedGen C0265223, MONDO:0008999, OMIM 216550.

Allele frequency attached by ClinVar (database versions not stated): TOPMed 0.00002.
gnomAD v4.1: 1 of 1,613,970 alleles (0.000062%); highest among the groups gnomAD compares: Non-Finnish European, 0.000085%; no homozygotes.

Submission:

Labcorp Genetics (formerly Invitae), Labcorp
Classification: Uncertain significance for Cohen syndrome. Last evaluated: 2025-04-28. Review status: criteria provided, single submitter. Criteria: Invitae Variant Classification Sherloc (09022015). Collection method: clinical testing. Allele origin: germline.
Comment: This sequence change replaces asparagine, which is neutral and polar, with histidine, which is basic and polar, at codon 2412 of the VPS13B protein (p.Asn2412His). This variant is not present in population databases (gnomAD no frequency). This variant has not been reported in the literature in individuals affected with VPS13B-related conditions. ClinVar contains an entry for this variant (Variation ID: 967998). Invitae Evidence Modeling of protein sequence and biophysical properties (such as structural, functional, and spatial information, amino acid conservation, physicochemical variation, residue mobility, and thermodynamic stability) indicates that this missense variant is not expected to disrupt VPS13B protein function with a negative predictive value of 80%. In summary, the available evidence is currently insufficient to determine the role of this variant in disease. Therefore, it has been classified as a Variant of Uncertain Significance.